The following is an entry in ClinVar:

ClinVar aggregate classification (germline): Uncertain significance. Review status: criteria provided, multiple submitters, no conflicts (2 of 4 stars). 2 submissions from 2 submitters: Uncertain significance (2). Last evaluated 2025-11-28.

gnomAD v4.1: 5 of 1,613,758 alleles (0.00031%); highest among the groups gnomAD compares: Non-Finnish European, 0.00042%; no homozygotes.

Submissions (2):

Labcorp Genetics (formerly Invitae), Labcorp
Classification: Uncertain significance. Last evaluated: 2025-11-28. Review status: criteria provided, single submitter. Criteria: Invitae Variant Classification Sherloc (09022015). Collection method: clinical testing. Allele origin: germline.
Comment: This sequence change replaces asparagine, which is neutral and polar, with serine, which is neutral and polar, at codon 432 of the EFEMP1 protein (p.Asn432Ser). This variant is present in population databases (rs770484375, gnomAD 0.002%). This variant has not been reported in the literature in individuals affected with EFEMP1-related conditions. Invitae Evidence Modeling of protein sequence and biophysical properties (such as structural, functional, and spatial information, amino acid conservation, physicochemical variation, residue mobility, and thermodynamic stability) indicates that this missense variant is not expected to disrupt EFEMP1 protein function with a negative predictive value of 80%. In summary, the available evidence is currently insufficient to determine the role of this variant in disease. Therefore, it has been classified as a Variant of Uncertain Significance.

Blueprint Genetics
Classification: Uncertain significance. Last evaluated: 2021-12-19. Review status: criteria provided, single submitter. Criteria: ACMG Guidelines, 2015. Collection method: clinical testing. Allele origin: germline.

NM_001039348.3(EFEMP1):c.1295A>G (p.Asn432Ser)

Gene: EFEMP1 (EGF-like fibulin extracellular matrix protein 1; minus strand). Cytogenetic location: 2p16.1.
Variant type: single nucleotide variant.
Coding change: c.1295A>G on transcript NM_001039348.3 (MANE Select); coding-DNA position 1295, A replaced by G.
Protein change: p.Asn432Ser; replaces asparagine 432 with serine.
Molecular consequence: missense variant.
Genome position (GRCh38, 1-based): chr2:55,870,745, T>C on the plus strand (A>G on the coding strand, the complement: EFEMP1 is on the minus strand). VCF-style: chr2-55870745-T-C. GRCh37 (hg19) VCF-style: chr2-56097880-T-C.
Other names: c.1295A>G, p.Asn432Ser (NM_001039349.3); short protein forms N432S.
Identifiers: ClinVar variation 4807854 (VCV004807854.2).